The following is an entry in ClinVar:

NM_000059.4(BRCA2):c.8755_8773dup (p.Gln2925delinsArgLeuPheGlnTer)

Gene: BRCA2 (BRCA2 DNA repair associated; plus strand). Cytogenetic location: 13q13.1.
Variant type: Duplication.
Coding change: c.8755_8773dup on transcript NM_000059.4 (MANE Select); coding-DNA positions 8755 to 8773, 19 bases duplicated (GGTTATTTCAGTGAAGAGC).
Protein change: p.Gln2925delinsArgLeuPheGlnTer.
Molecular consequence: nonsense.
Genome position (GRCh38, 1-based): chr13:32,379,317-32,379,335, GGTTATTTCAGTGAAGAGC duplicated. VCF-style (leftmost placement, unchanged base first): chr13-32379316-G-GGGTTATTTCAGTGAAGAGC. GRCh37 (hg19) VCF-style: chr13-32953453-G-GGGTTATTTCAGTGAAGAGC.
Other names: c.8755_8773dup (NM_000059.3).
Identifiers: ClinVar variation 822708 (VCV000822708.14), dbSNP rs1593936493, ClinGen allele CA915948609.

ClinVar aggregate classification (germline): Pathogenic/Likely pathogenic. Review status: criteria provided, multiple submitters, no conflicts (2 of 4 stars). 3 submissions from 3 submitters: Pathogenic (2); Likely pathogenic (1). Last evaluated 2025-06-02.

Conditions:
Hereditary cancer-predisposing syndrome. Also called: Tumor predisposition; Hereditary Cancer Syndrome; Neoplastic Syndromes, Hereditary; Hereditary neoplastic syndrome. Identifiers: Orphanet 140162, MedGen C0027672, MeSH D009386, MONDO:0015356.
Hereditary breast ovarian cancer syndrome. Also called: Hereditary breast and ovarian cancer; Breast and ovarian cancer; Hereditary breast and/or ovarian cancer syndrome; Hereditary breast and ovarian cancer syndrome; BRCA1- and BRCA2-Associated Hereditary Breast and Ovarian Cancer; Hereditary breast and ovarian cancer syndrome (HBOC). Identifiers: Orphanet 145, MedGen C0677776, MeSH D061325, MONDO:0003582. Disease mechanism: loss of function.

Allele frequency attached by ClinVar (database versions not stated): gnomAD exomes below 0.00001.

Submissions (3):

Labcorp Genetics (formerly Invitae), Labcorp
Classification: Pathogenic for Hereditary breast ovarian cancer syndrome. Last evaluated: 2025-06-02. Review status: criteria provided, single submitter. Criteria: Invitae Variant Classification Sherloc (09022015). Collection method: clinical testing. Allele origin: germline.
Comment: This sequence change creates a premature translational stop signal (p.Gln2925Argfs*5) in the BRCA2 gene. It is expected to result in an absent or disrupted protein product. Loss-of-function variants in BRCA2 are known to be pathogenic (PMID: 20104584). This variant is not present in population databases (gnomAD no frequency). This variant has not been reported in the literature in individuals affected with BRCA2-related conditions. ClinVar contains an entry for this variant (Variation ID: 822708). For these reasons, this variant has been classified as Pathogenic.

Ambry Genetics
Classification: Pathogenic for Hereditary cancer-predisposing syndrome. Last evaluated: 2024-11-20. Review status: criteria provided, single submitter. Criteria: Ambry Variant Classification Scheme 2023. Collection method: clinical testing. Allele origin: germline.
Comment: The c.8755_8773dup19 variant, located in coding exon 21 of the BRCA2 gene, results from a duplication of GGTTATTTCAGTGAAGAGC at nucleotide position 8755, causing a translational frameshift with a predicted alternate stop codon (p.Q2925Rfs*5). This variant is considered to be rare based on population cohorts in the Genome Aggregation Database (gnomAD). This alteration is expected to result in loss of function by premature protein truncation or nonsense-mediated mRNA decay. As such, this alteration is interpreted as a disease-causing mutation.

Quest Diagnostics Nichols Institute San Juan Capistrano
Classification: Likely pathogenic. Last evaluated: 2019-09-13. Review status: criteria provided, single submitter. Criteria: Quest Diagnostics criteria. Collection method: clinical testing. Allele origin: unknown.
Comment: The variant results in a shift of the reading frame, and is therefore predicted to result in the loss of a functional protein. Not found in the total gnomAD dataset, and the data is high quality.

Literature cited by the submitters: PubMed 20104584 (cited by Labcorp Genetics (formerly Invitae), Labcorp).